The following is an entry in ClinVar:

NM_138694.4(PKHD1):c.47T>A (p.Leu16Ter)

Gene: PKHD1 (PKHD1 ciliary IPT domain containing fibrocystin/polyductin; minus strand). Cytogenetic location: 6p12.2.
Variant type: single nucleotide variant.
Coding change: c.47T>A on transcript NM_138694.4 (MANE Select); coding-DNA position 47, T replaced by A.
Protein change: p.Leu16Ter; replaces leucine 16 with a stop codon.
Molecular consequence: nonsense.
Genome position (GRCh38, 1-based): chr6:52,084,887, A>T on the plus strand (T>A on the coding strand, the complement: PKHD1 is on the minus strand). VCF-style: chr6-52084887-A-T. GRCh37 (hg19) VCF-style: chr6-51949685-A-T.
Other names: c.47T>A, p.Leu16Ter (NM_170724.3); short protein forms L16*.
Identifiers: ClinVar variation 2093238 (VCV002093238.4), dbSNP rs2533801165, ClinGen allele CA364441064.
Genomic context (GRCh38, chr6:52,084,887, plus strand): 5'-CAAGGTAACCTATTGTGTTCTTACCTATAATTCCTTCAAAACACATTCTACTGACCTGCC[A>T]AAAGTAGTACTTCAATACTCATCAGAGAGATCAGCCAGGCAGTCATTCTGTCCACTTAAA-3'

ClinVar aggregate classification (germline): Pathogenic (1 of 4 stars; one submission).

Conditions:
Autosomal recessive polycystic kidney disease (ARPKD). Also called: AR polycystic kidney disease. Identifiers: Orphanet 731, Orphanet 8378, MedGen C0085548, MeSH D017044, MONDO:0009889.

Submission:

Labcorp Genetics (formerly Invitae), Labcorp
Classification: Pathogenic for Autosomal recessive polycystic kidney disease. Last evaluated: 2022-02-04. Review status: criteria provided, single submitter. Criteria: Invitae Variant Classification Sherloc (09022015). Collection method: clinical testing. Allele origin: germline.
Comment: For these reasons, this variant has been classified as Pathogenic. This variant has not been reported in the literature in individuals affected with PKHD1-related conditions. This variant is not present in population databases (gnomAD no frequency). This sequence change creates a premature translational stop signal (p.Leu16*) in the PKHD1 gene. It is expected to result in an absent or disrupted protein product. Loss-of-function variants in PKHD1 are known to be pathogenic (PMID: 19940839).

Literature cited by the submitters: PubMed 19940839.